The following is an entry in ClinVar:

ClinVar aggregate classification (germline): Uncertain significance (1 of 4 stars; one submission).

Submission:

GeneDx
Classification: Uncertain significance. Last evaluated: 2022-12-27. Review status: criteria provided, single submitter. Criteria: GeneDx Variant Classification Process June 2021. Collection method: clinical testing. Allele origin: germline. Affected: yes.
Comment: In silico analysis supports that this missense variant has a deleterious effect on protein structure/function; Not observed at significant frequency in large population cohorts (gnomAD); Has not been previously published as pathogenic or benign to our knowledge

NM_002764.4(PRPS1):c.752G>A (p.Gly251Glu)

Gene: PRPS1 (phosphoribosyl pyrophosphate synthetase 1; plus strand). Cytogenetic location: Xq22.3.
Variant type: single nucleotide variant.
Coding change: c.752G>A on transcript NM_002764.4 (MANE Select); coding-DNA position 752, G replaced by A.
Protein change: p.Gly251Glu; replaces glycine 251 with glutamic acid.
Molecular consequence: missense variant.
Genome position (GRCh38, 1-based): chrX:107,647,653, G>A. VCF-style: chrX-107647653-G-A. GRCh37 (hg19) VCF-style: chrX-106890883-G-A.
Other names: c.140G>A, p.Gly47Glu (NM_001204402.2); short protein forms G251E, G47E.
Identifiers: ClinVar variation 2507052 (VCV002507052.1), dbSNP rs2521349537, ClinGen allele CA413814469.